The following is an entry in ClinVar:

ClinVar aggregate classification (germline): Uncertain significance (1 of 4 stars; one submission).

Conditions:
Leigh syndrome (NULS). Also called: Leigh's necrotizing encephalopathy; Leigh's disease; Leigh's syndrome; LEIGH SYNDROME, NUCLEAR; Leigh Syndrome (mtDNA deletion); Leigh Disease. Identifiers: Orphanet 506, MedGen C2931891, MONDO:0009723, OMIM 256000.

Submission:

Wong Mito Lab, Molecular and Human Genetics, Baylor College of Medicine
Classification: Uncertain significance for Leigh syndrome. Last evaluated: 2019-10-17. Review status: criteria provided, single submitter. Criteria: Modified ACMG Guidelines (Unpublished). Collection method: clinical testing. Allele origin: germline.
Comment: The NC_012920.1:m.14444T>C (YP_003024037.1:p.Glu77Gly) variant in MTND6 gene is interpretated to be a Uncertain Significance variant based on the modified ACMG guidelines (unpublished). This variant meets the following evidence codes: PP7

NC_012920.1(MT-ND6):m.14444T>C

Gene: MT-ND6 (mitochondrially encoded NADH dehydrogenase 6; minus strand).
Variant type: single nucleotide variant.
Genome position: chrM-14444-T-C.
Identifiers: ClinVar variation 693724 (VCV000693724.1), dbSNP rs1603224732, ClinGen allele CA414822510.